The following is an entry in ClinVar:

ClinVar aggregate classification (germline): Uncertain significance. Review status: criteria provided, multiple submitters, no conflicts (2 of 4 stars). 2 submissions from 2 submitters: Uncertain significance (2). Last evaluated 2025-02-16.

Conditions:
Cardiovascular phenotype. Identifiers: MedGen CN230736.
RASopathy. Also called: Noonan spectrum disorder; rasopathies. Identifiers: Orphanet 536391, MedGen C5555857, MONDO:0021060.

Submissions (2):

Ambry Genetics
Classification: Uncertain significance for Cardiovascular phenotype. Last evaluated: 2025-02-16. Review status: criteria provided, single submitter. Criteria: Ambry Variant Classification Scheme 2023. Collection method: clinical testing. Allele origin: germline.
Comment: The p.L790P variant (also known as c.2369T>C), located in coding exon 15 of the CBL gene, results from a T to C substitution at nucleotide position 2369. The leucine at codon 790 is replaced by proline, an amino acid with similar properties. This amino acid position is conserved. In addition, this alteration is predicted to be deleterious by in silico analysis. Based on the available evidence, the clinical significance of this variant remains unclear.

Labcorp Genetics (formerly Invitae), Labcorp
Classification: Uncertain significance for RASopathy. Last evaluated: 2024-12-12. Review status: criteria provided, single submitter. Criteria: Invitae Variant Classification Sherloc (09022015). Collection method: clinical testing. Allele origin: germline.
Comment: This sequence change replaces leucine, which is neutral and non-polar, with proline, which is neutral and non-polar, at codon 790 of the CBL protein (p.Leu790Pro). This variant is not present in population databases (gnomAD no frequency). This variant has not been reported in the literature in individuals affected with CBL-related conditions. Invitae Evidence Modeling of protein sequence and biophysical properties (such as structural, functional, and spatial information, amino acid conservation, physicochemical variation, residue mobility, and thermodynamic stability) has been performed for this missense variant. However, the output from this modeling did not meet the statistical confidence thresholds required to predict the impact of this variant on CBL protein function. In summary, the available evidence is currently insufficient to determine the role of this variant in disease. Therefore, it has been classified as a Variant of Uncertain Significance.

NM_005188.4(CBL):c.2369T>C (p.Leu790Pro)

Gene: CBL (Cbl proto-oncogene; plus strand). Cytogenetic location: 11q23.3.
Variant type: single nucleotide variant.
Coding change: c.2369T>C on transcript NM_005188.4 (MANE Select); coding-DNA position 2369, T replaced by C.
Protein change: p.Leu790Pro; replaces leucine 790 with proline.
Molecular consequence: missense variant.
Genome position (GRCh38, 1-based): chr11:119,298,475, T>C. VCF-style: chr11-119298475-T-C. GRCh37 (hg19) VCF-style: chr11-119169185-T-C.
Other names: c.2369T>C (NM_005188.2); short protein forms L790P.
Identifiers: ClinVar variation 3701816 (VCV003701816.3).
Genomic context (GRCh38, chr11:119,298,475, plus strand): 5'-AGGATGATGGGTATGATGTCCCAAAGCCACCTGTGCCGGCCGTGCTGGCCCGCCGAACTC[T>C]CTCAGATATCTCTAATGCCAGCTCCTCCTTTGGCTGGTTGTCTCTGGATGGTGATCCTAC-3'
Protein context (NP_005179.2, residues 780-800): PVPAVLARRT[Leu790Pro]SDISNASSSF